The following is an entry in ClinVar:

NM_000238.4(KCNH2):c.92T>G (p.Ile31Ser)

Gene: KCNH2 (potassium voltage-gated channel subfamily H member 2; minus strand). Cytogenetic location: 7q36.1.
Variant type: single nucleotide variant.
Coding change: c.92T>G on transcript NM_000238.4 (MANE Select); coding-DNA position 92, T replaced by G.
Protein change: p.Ile31Ser; replaces isoleucine 31 with serine.
Molecular consequence: missense variant.
Genome position (GRCh38, 1-based): chr7:150,974,926, A>C on the plus strand (T>G on the coding strand, the complement: KCNH2 is on the minus strand). VCF-style: chr7-150974926-A-C. GRCh37 (hg19) VCF-style: chr7-150672014-A-C.
Other names: c.92T>G (LRG_288t1); c.-86T>G (NM_001406755.1); c.92T>G, p.Ile31Ser (NM_172056.3); short protein forms I31S.
Identifiers: ClinVar variation 67546 (VCV000067546.3), dbSNP rs199472833, ClinGen allele CA009002.

ClinVar aggregate classification (germline): not provided (0 of 4 stars; one submission).

Conditions:
Familial long QT syndrome (RWS). Also called: Congenital long QT syndrome; Romano-Ward syndrome; VENTRICULAR FIBRILLATION WITH PROLONGED QT INTERVAL. Identifiers: Orphanet 768, MedGen C1141890, MONDO:0019171.

Submission:

Cardiovascular Biomedical Research Unit, Royal Brompton & Harefield NHS Foundation Trust
No classification provided. Condition: Familial long QT syndrome. Review status: no classification provided. Collection method: literature only. Allele origin: germline.
Comment: This variant has been reported as associated with Long QT syndrome in the following publications (PMID:15840476;PMID:15851119;PMID:16432067). This is a literature report, and does not necessarily reflect the clinical interpretation of the Imperial College / Royal Brompton Cardiovascular Genetics laboratory.

Literature cited by the submitters: PubMed 15840476; PubMed 15851119; PubMed 16432067; PubMed 22581653.